The following is an entry in ClinVar:

NM_001146312.3(MYOCD):c.359A>G (p.Glu120Gly)

Gene: MYOCD (myocardin; plus strand). Cytogenetic location: 17p12.
Variant type: single nucleotide variant.
Coding change: c.359A>G on transcript NM_001146312.3 (MANE Select); coding-DNA position 359, A replaced by G.
Protein change: p.Glu120Gly; replaces glutamic acid 120 with glycine.
Molecular consequence: missense variant.
Genome position (GRCh38, 1-based): chr17:12,722,952, A>G. VCF-style: chr17-12722952-A-G. GRCh37 (hg19) VCF-style: chr17-12626269-A-G.
Other names: c.122A>G, p.Glu41Gly (NM_001378306.1); c.359A>G, p.Glu120Gly (NM_153604.4); c.359A>G (NM_001146312.2); short protein forms E120G, E41G.
Identifiers: ClinVar variation 2318396 (VCV002318396.3), dbSNP rs1310611210, ClinGen allele CA398243541.

ClinVar aggregate classification (germline): Uncertain significance. Review status: criteria provided, multiple submitters, no conflicts (2 of 4 stars). 2 submissions from 2 submitters: Uncertain significance (2). Last evaluated 2026-05-23.

Conditions:
MYOCD-related condition.

Allele frequency attached by ClinVar (database versions not stated): gnomAD exomes below 0.00001; gnomAD 0.00001; TOPMed 0.00001.
gnomAD v4.1: 3 of 1,613,818 alleles (0.00019%); highest among the groups gnomAD compares: African/African-American, 0.004%; no homozygotes.

Submissions (2):

PreventionGenetics, part of Exact Sciences
Classification: Uncertain significance for MYOCD-related condition. Last evaluated: 2026-05-23. Review status: criteria provided, single submitter. Criteria: ACMG Guidelines, 2015. Collection method: clinical testing. Allele origin: germline.
Comment: The MYOCD c.359A>G variant is predicted to result in the amino acid substitution p.Glu120Gly. To our knowledge, this variant has not been reported in the literature or in a large population database (gnomAD), indicating this variant is rare. At this time, the clinical significance of this variant is uncertain due to the absence of conclusive functional and genetic evidence.

Ambry Genetics
Classification: Uncertain significance. Last evaluated: 2022-10-12. Review status: criteria provided, single submitter. Criteria: Ambry Variant Classification Scheme 2023. Collection method: clinical testing. Allele origin: germline.